The following is an entry in ClinVar:

ClinVar aggregate classification (germline): Likely benign (0 of 4 stars; one submission).

Conditions:
ZNF81-related disorder. Also called: ZNF81-related condition.

Allele frequency attached by ClinVar (database versions not stated): ExAC 0.00028; ESP Exome Variant Server 0.00032; gnomAD 0.00037.
gnomAD v4.1: 855 of 1,209,621 alleles (0.071%); highest among the groups gnomAD compares: Admixed American, 0.096%; 2 homozygotes.

Submission:

PreventionGenetics, part of Exact Sciences
Classification: Likely benign for ZNF81-related condition. Last evaluated: 2022-04-29. Review status: no assertion criteria provided. Collection method: clinical testing. Allele origin: germline.
Comment: This variant is classified as likely benign based on ACMG/AMP sequence variant interpretation guidelines (Richards et al. 2015 PMID: 25741868, with internal and published modifications).

NM_007137.5(ZNF81):c.602A>T (p.His201Leu)

Gene: ZNF81 (zinc finger protein 81; plus strand). Cytogenetic location: Xp11.23.
Variant type: single nucleotide variant.
Coding change: c.602A>T on transcript NM_007137.5 (MANE Select); coding-DNA position 602, A replaced by T.
Protein change: p.His201Leu; replaces histidine 201 with leucine.
Molecular consequence: missense variant. On other transcripts: intron variant (2).
Genome position (GRCh38, 1-based): chrX:47,915,248, A>T. VCF-style: chrX-47915248-A-T. GRCh37 (hg19) VCF-style: chrX-47774647-A-T.
Other names: c.602A>T, p.His201Leu (NM_001378152.1, NM_001378153.1); c.278-8676A>T (NM_001378154.1); c.278-6060A>T (NM_001378155.1); short protein forms H201L.
Identifiers: ClinVar variation 3042874 (VCV003042874.2), dbSNP rs199990232, ClinGen allele CA10399899.